The following is an entry in ClinVar:

ClinVar aggregate classification (germline): Uncertain significance. Review status: criteria provided, multiple submitters, no conflicts (2 of 4 stars). 3 submissions from 3 submitters: Uncertain significance (3). Last evaluated 2026-09-17.

Conditions:
LRP5-related disorder. Also called: LRP5-related condition.

Allele frequency attached by ClinVar (database versions not stated): ExAC 0.00001; gnomAD 0.00002 and 0.00003.
gnomAD v4.1: 26 of 1,614,066 alleles (0.0016%); highest among the groups gnomAD compares: African/African-American, 0.0027%; no homozygotes.

Submissions (3):

PreventionGenetics, part of Exact Sciences
Classification: Uncertain significance for LRP5-related condition. Last evaluated: 2026-09-17. Review status: criteria provided, single submitter. Criteria: ACMG Guidelines, 2015. Collection method: clinical testing. Allele origin: germline.
Comment: The LRP5 c.3094G>A variant is predicted to result in the amino acid substitution p.Asp1032Asn. To our knowledge, this variant has not been reported in the literature. This variant is reported in 0.0018% of alleles in individuals of European (Non-Finnish) descent in gnomAD. At this time, the clinical significance of this variant is uncertain due to the absence of conclusive functional and genetic evidence.

Labcorp Genetics (formerly Invitae), Labcorp
Classification: Uncertain significance. Last evaluated: 2024-02-24. Review status: criteria provided, single submitter. Criteria: Invitae Variant Classification Sherloc (09022015). Collection method: clinical testing. Allele origin: germline.
Comment: This sequence change replaces aspartic acid, which is acidic and polar, with asparagine, which is neutral and polar, at codon 1032 of the LRP5 protein (p.Asp1032Asn). This variant is present in population databases (rs750533610, gnomAD 0.002%). This variant has not been reported in the literature in individuals affected with LRP5-related conditions. ClinVar contains an entry for this variant (Variation ID: 1482016). Advanced modeling of protein sequence and biophysical properties (such as structural, functional, and spatial information, amino acid conservation, physicochemical variation, residue mobility, and thermodynamic stability) has been performed at Invitae for this missense variant, however the output from this modeling did not meet the statistical confidence thresholds required to predict the impact of this variant on LRP5 protein function. In summary, the available evidence is currently insufficient to determine the role of this variant in disease. Therefore, it has been classified as a Variant of Uncertain Significance.

Blueprint Genetics
Classification: Uncertain significance. Last evaluated: 2021-11-15. Review status: criteria provided, single submitter. Criteria: ACMG Guidelines, 2015. Collection method: clinical testing. Allele origin: germline.

NM_002335.4(LRP5):c.3094G>A (p.Asp1032Asn)

Gene: LRP5 (LDL receptor related protein 5; plus strand). Cytogenetic location: 11q13.2.
Variant type: single nucleotide variant.
Coding change: c.3094G>A on transcript NM_002335.4 (MANE Select); coding-DNA position 3094, G replaced by A.
Protein change: p.Asp1032Asn; replaces aspartic acid 1032 with asparagine.
Molecular consequence: missense variant.
Genome position (GRCh38, 1-based): chr11:68,423,555, G>A. VCF-style: chr11-68423555-G-A. GRCh37 (hg19) VCF-style: chr11-68191023-G-A.
Other names: c.3094G>A (NM_002335.3); c.1351G>A, p.Asp451Asn (NM_001291902.2); short protein forms D1032N, D451N.
Identifiers: ClinVar variation 1482016 (VCV001482016.10), dbSNP rs750533610, ClinGen allele CA6149848.